The following is an entry in ClinVar:

ClinVar aggregate classification (germline): Pathogenic (1 of 4 stars; one submission).

Conditions:
Mucolipidosis type II. Also called: ML II ALPHA/BETA; Mucolipidosis 2; ML 2; Inclusion cell disease; Leroy Disease; N-acetylglucosamine 1phosphotransferase deficiency. Identifiers: Orphanet 576, MedGen C2673377, MONDO:0009650, OMIM 252500.
Pseudo-Hurler polydystrophy. Also called: MUCOLIPIDOSIS IIIA; ML III; ML III ALPHA/BETA; Type III Mucolipidosis; ML IIIA; Mucolipidosis III Alpha/Beta. Identifiers: Orphanet 423461, Orphanet 577, MedGen C0033788, MONDO:0018931, OMIM 252600.

Submission:

Labcorp Genetics (formerly Invitae), Labcorp
Classification: Pathogenic for Pseudo-Hurler polydystrophy; Mucolipidosis type II. Last evaluated: 2020-10-03. Review status: criteria provided, single submitter. Criteria: Invitae Variant Classification Sherloc (09022015). Collection method: clinical testing. Allele origin: germline.
Comment: This sequence change creates a premature translational stop signal (p.Gln913Ilefs*6) in the GNPTAB gene. It is expected to result in an absent or disrupted protein product. For these reasons, this variant has been classified as Pathogenic. Loss-of-function variants in GNPTAB are known to be pathogenic (PMID: 19617216, 25107912). This variant has not been reported in the literature in individuals with GNPTAB-related conditions. This variant is not present in population databases (ExAC no frequency).

Literature cited by the submitters: PubMed 19617216; PubMed 25107912.

NM_024312.5(GNPTAB):c.2737_2738del (p.Gln913fs)

Gene: GNPTAB (N-acetylglucosamine-1-phosphate transferase subunits alpha and beta; minus strand). Cytogenetic location: 12q23.2.
Variant type: Microsatellite.
Coding change: c.2737_2738del on transcript NM_024312.5 (MANE Select); coding-DNA positions 2737 to 2738, 2 bases deleted (CA; older notation c.2737_2738delCA).
Protein change: p.Gln913fs; shifts the reading frame from glutamine 913.
Molecular consequence: frameshift variant.
Genome position (GRCh38, 1-based): chr12:101,761,741-101,761,742, TG deleted on the plus strand (CA on the coding strand, the reverse complement: GNPTAB is on the minus strand); deleting any 2 consecutive bases within chr12:101,761,741-101,761,745 gives the same sequence; the c. name uses the placement nearest the transcript's 3' end. VCF-style (leftmost placement, unchanged base first): chr12-101761740-TTG-T. GRCh37 (hg19) VCF-style: chr12-102155518-TTG-T.
Other names: short protein forms Q913fs.
Identifiers: ClinVar variation 1075110 (VCV001075110.7), dbSNP rs2137113019, ClinGen allele CA2580616842.